The following is an entry in ClinVar:

NM_001200049.3(CFAP46):c.609G>A (p.Pro203=)

Gene: CFAP46 (cilia and flagella associated protein 46; minus strand). Cytogenetic location: 10q26.3.
Variant type: single nucleotide variant.
Coding change: c.609G>A on transcript NM_001200049.3 (MANE Select); coding-DNA position 609, G replaced by A.
Protein change: p.Pro203=; no amino-acid change (proline 203 retained).
Molecular consequence: synonymous variant.
Genome position (GRCh38, 1-based): chr10:132,937,603, C>T on the plus strand (G>A on the coding strand, the complement: CFAP46 is on the minus strand). VCF-style: chr10-132937603-C-T. GRCh37 (hg19) VCF-style: chr10-134751107-C-T.
Identifiers: ClinVar variation 2640997 (VCV002640997.24), dbSNP rs754603805, ClinGen allele CA5758273.
Genomic context (GRCh38, chr10:132,937,603, plus strand): 5'-CTGATTTACCATAACAGAGAATATCTGCCGGTATTTCTGTGGCACGTGAGACTTAATGAA[C>T]GGAGCTGCCGTGGAGCAGAACCTGGCAGCCTCCTCCTTTCTTCCGGCTTGCAGATAACAC-3'
Protein context (NP_001186978.2, residues 193-213): EAARFCSTAA[Pro203=]FIKSHVPQKY

ClinVar aggregate classification (germline): Likely benign (1 of 4 stars; one submission).

Allele frequency attached by ClinVar (database versions not stated): ExAC 0.00005; gnomAD 0.00005; TOPMed 0.00005; gnomAD exomes 0.00006.
gnomAD v4.1: 94 of 1,613,610 alleles (0.0058%); highest among the groups gnomAD compares: Middle Eastern, 0.066%; 1 homozygote.

Submission:

CeGaT Center for Human Genetics Tuebingen
Classification: Likely benign. Last evaluated: 2023-07-01. Review status: criteria provided, single submitter. Criteria: CeGaT Center For Human Genetics Tuebingen Variant Classification Criteria Version 2. Collection method: clinical testing. Allele origin: germline. Affected: yes. Observed: 1 variant allele.
Comment: CFAP46: BP4, BP7